The following is an entry in ClinVar:

ClinVar aggregate classification (germline): Likely benign. Review status: criteria provided, single submitter (1 of 4 stars). 2 submissions from 2 submitters: Likely benign (1). 1 of the submissions does not count toward it. Last evaluated 2023-03-23.

Conditions:
Hereditary cancer-predisposing syndrome. Also called: Hereditary neoplastic syndrome; Neoplastic Syndromes, Hereditary; Hereditary Cancer Syndrome; Tumor predisposition. Identifiers: Orphanet 140162, MedGen C0027672, MeSH D009386, MONDO:0015356.

Submissions (2):

University of Washington Department of Laboratory Medicine, University of Washington
Classification: Likely benign for Hereditary cancer-predisposing syndrome. Last evaluated: 2023-03-23. Review status: criteria provided, single submitter. Criteria: Dines et al. (Genet Med. 2020). Collection method: curation. Allele origin: germline.
Comment: Missense variant in a coldspot region where missense variants are very unlikely to be pathogenic (PMID:31911673).

BRCA2 exon 11 coldspot. Reclassification based on statistical prior probability.

Biesecker Lab/Clinical Genomics Section, National Institutes of Health
Classification: Uncertain significance. Last evaluated: 2012-07-13. Review status: no assertion criteria provided. Collection method: research. Allele origin: germline. Affected: no. Observed: 1 variant allele. Study: ClinSeq. Not counted in ClinVar's aggregate classification.
ClinVar note: Converted during submission from variant of unknown significance to Uncertain significance.

NM_000059.4(BRCA2):c.4593A>T (p.Lys1531Asn)

Gene: BRCA2 (BRCA2 DNA repair associated; plus strand). Cytogenetic location: 13q13.1.
Variant type: single nucleotide variant.
Coding change: c.4593A>T on transcript NM_000059.4 (MANE Select); coding-DNA position 4593, A replaced by T.
Protein change: p.Lys1531Asn; replaces lysine 1531 with asparagine.
Molecular consequence: missense variant.
Genome position (GRCh38, 1-based): chr13:32,338,948, A>T. VCF-style: chr13-32338948-A-T. GRCh37 (hg19) VCF-style: chr13-32913085-A-T.
Other names: short protein forms K1531N.
Identifiers: ClinVar variation 41550 (VCV000041550.4), dbSNP rs386833397, ClinGen allele CA020512.
Genomic context (GRCh38, chr13:32,338,948, plus strand): 5'-ACGTGATGAAAAGATCAAAGAACCTACTCTATTGGGTTTTCATACAGCTAGCGGGAAAAA[A>T]GTTAAAATTGCAAAGGAATCTTTGGACAAAGTGAAAAACCTTTTTGATGAAAAAGAGCAA-3'
Protein context (NP_000050.3, residues 1521-1541): LLGFHTASGK[Lys1531Asn]VKIAKESLDK